The following is an entry in ClinVar:

ClinVar aggregate classification (germline): Conflicting classifications of pathogenicity. Review status: criteria provided, conflicting classifications (1 of 4 stars). 3 submissions from 3 submitters: Uncertain significance (2); Likely benign (1). Last evaluated 2024-07-18.

Allele frequency attached by ClinVar (database versions not stated): ExAC 0.00011; TOPMed 0.00029; 1000 Genomes Project 30x 0.00031; ESP Exome Variant Server 0.00031; 1000 Genomes Project 0.00040; gnomAD 0.00042.
gnomAD v4.1: 112 of 1,614,154 alleles (0.0069%); highest among the groups gnomAD compares: African/African-American, 0.12%; 1 homozygote.

Submissions (3):

Blueprint Genetics
Classification: Likely benign. Last evaluated: 2024-07-18. Review status: criteria provided, single submitter. Criteria: ACMG Guidelines, 2015. Collection method: clinical testing. Allele origin: germline.

Women's Health and Genetics/Laboratory Corporation of America, LabCorp
Classification: Uncertain significance. Last evaluated: 2023-11-27. Review status: criteria provided, single submitter. Criteria: LabCorp Variant Classification Summary - May 2015. Collection method: clinical testing. Allele origin: germline.
Comment: Variant summary: KIAA0556 c.2180A>T (p.His727Leu) results in a non-conservative amino acid change in the encoded protein sequence. Three of five in-silico tools predict a benign effect of the variant on protein function. The variant allele was found at a frequency of 8.4e-05 in 249710 control chromosomes, predominantly at a frequency of 0.0012 within the African or African-American subpopulation in the gnomAD database. This report does not provide unequivocal conclusions about association of the variant with Joubert Syndrome 26. To our knowledge, no experimental evidence demonstrating an impact on protein function has been reported. The following publication has been ascertained in the context of this evaluation (PMID: 33270637). One submitter has cited a clinical-significance assessment for this variant to ClinVar after 2014 and has classified the variant as uncertain significance. Based on the evidence outlined above, the variant was classified as uncertain significance.

Labcorp Genetics (formerly Invitae), Labcorp
Classification: Uncertain significance. Last evaluated: 2022-05-07. Review status: criteria provided, single submitter. Criteria: Invitae Variant Classification Sherloc (09022015). Collection method: clinical testing. Allele origin: germline.
Comment: This sequence change replaces histidine, which is basic and polar, with leucine, which is neutral and non-polar, at codon 727 of the KIAA0556 protein (p.His727Leu). This variant is present in population databases (rs139943989, gnomAD 0.1%). This variant has not been reported in the literature in individuals affected with KIAA0556-related conditions. Algorithms developed to predict the effect of missense changes on protein structure and function are either unavailable or do not agree on the potential impact of this missense change (SIFT: "Deleterious"; PolyPhen-2: "Benign"; Align-GVGD: "Class C15"). In summary, the available evidence is currently insufficient to determine the role of this variant in disease. Therefore, it has been classified as a Variant of Uncertain Significance.

Literature cited by the submitters: PubMed 33270637 (cited by Women's Health and Genetics/Laboratory Corporation of America, LabCorp).

NM_015202.5(KATNIP):c.2180A>T (p.His727Leu)

Gene: KATNIP (katanin interacting protein; plus strand). Cytogenetic location: 16p12.1.
Variant type: single nucleotide variant.
Coding change: c.2180A>T on transcript NM_015202.5 (MANE Select); coding-DNA position 2180, A replaced by T.
Protein change: p.His727Leu; replaces histidine 727 with leucine.
Molecular consequence: missense variant.
Genome position (GRCh38, 1-based): chr16:27,740,477, A>T. VCF-style: chr16-27740477-A-T. GRCh37 (hg19) VCF-style: chr16-27751798-A-T.
Other names: short protein forms H727L.
Identifiers: ClinVar variation 2078022 (VCV002078022.4), dbSNP rs139943989, ClinGen allele CA7977911.